The following is an entry in ClinVar:

NM_001358921.2(COQ2):c.1106T>C (p.Ile369Thr)

Gene: COQ2 (coenzyme Q2, polyprenyltransferase; minus strand). Cytogenetic location: 4q21.23.
Variant type: single nucleotide variant.
Coding change: c.1106T>C on transcript NM_001358921.2 (MANE Select); coding-DNA position 1106, T replaced by C.
Protein change: p.Ile369Thr; replaces isoleucine 369 with threonine.
Molecular consequence: missense variant.
Genome position (GRCh38, 1-based): chr4:83,264,209, A>G on the plus strand (T>C on the coding strand, the complement: COQ2 is on the minus strand). VCF-style: chr4-83264209-A-G. GRCh37 (hg19) VCF-style: chr4-84185362-A-G.
Other names: c.1256T>C, p.Ile419Thr (NM_015697.9); short protein forms I419T, I369T.
Identifiers: ClinVar variation 4005818 (VCV004005818.2).

ClinVar aggregate classification (germline): Conflicting classifications of pathogenicity. Review status: criteria provided, conflicting classifications (1 of 4 stars). 2 submissions from 2 submitters: Uncertain significance (1); Likely benign (1). Last evaluated 2026-01-02.

Conditions:
Inborn genetic diseases. Identifiers: MedGen C0950123, MeSH D030342.

gnomAD v4.1: 10 of 1,419,094 alleles (0.0007%); highest among the groups gnomAD compares: East Asian, 0.019%; no homozygotes.

Submissions (2):

Labcorp Genetics (formerly Invitae), Labcorp
Classification: Uncertain significance. Last evaluated: 2026-01-02. Review status: criteria provided, single submitter. Criteria: Invitae Variant Classification Sherloc (09022015). Collection method: clinical testing. Allele origin: germline.
Comment: This sequence change replaces isoleucine, which is neutral and non-polar, with threonine, which is neutral and polar, at codon 419 of the COQ2 protein (p.Ile419Thr). This variant is present in population databases (rs535335508, gnomAD 0.06%). This variant has not been reported in the literature in individuals affected with COQ2-related conditions. ClinVar contains an entry for this variant (Variation ID: 4005818). An algorithm developed to predict the effect of missense changes on protein structure and function outputs the following: PolyPhen-2: "Benign". The threonine amino acid residue is found in multiple mammalian species, which suggests that this missense change does not adversely affect protein function. In summary, the available evidence is currently insufficient to determine the role of this variant in disease. Therefore, it has been classified as a Variant of Uncertain Significance.

Ambry Genetics
Classification: Likely benign for Inborn genetic diseases. Last evaluated: 2025-06-05. Review status: criteria provided, single submitter. Criteria: Ambry Variant Classification Scheme 2023. Collection method: clinical testing. Allele origin: germline.